The following is an entry in ClinVar:

NM_001130144.3(LTBP3):c.922G>C (p.Gly308Arg)

Gene: LTBP3 (latent transforming growth factor beta binding protein 3; minus strand). Cytogenetic location: 11q13.1.
Variant type: single nucleotide variant.
Coding change: c.922G>C on transcript NM_001130144.3 (MANE Select); coding-DNA position 922, G replaced by C.
Protein change: p.Gly308Arg; replaces glycine 308 with arginine.
Molecular consequence: missense variant.
Genome position (GRCh38, 1-based): chr11:65,553,473, C>G on the plus strand (G>C on the coding strand, the complement: LTBP3 is on the minus strand). VCF-style: chr11-65553473-C-G. GRCh37 (hg19) VCF-style: chr11-65320944-C-G.
Other names: c.571G>C, p.Gly191Arg (NM_001164266.1); c.922G>C, p.Gly308Arg (NM_021070.4); short protein forms G308R, G191R.
Identifiers: ClinVar variation 4691022 (VCV004691022.1).
Genomic context (GRCh38, chr11:65,553,473, plus strand): 5'-CCAAGCACTCACACTGCAGCTGGGGACACTTGTGGCACTTGCTCTGGCCCCAGGCAGTGC[C>G]GATGCTACCGCAGCAGTCTTCCTGCTTGGTGAGGCCGGGGAGGGGGTTGCTGCCACACTA-3'
Protein context (NP_001123616.1, residues 298-318): TKQEDCCGSI[Gly308Arg]TAWGQSKCHK

ClinVar aggregate classification (germline): Uncertain significance (1 of 4 stars; one submission).

Conditions:
Brachyolmia-amelogenesis imperfecta syndrome. Also called: Tooth agenesis, selective, 6; Dental anomalies and short stature; PLATYSPONDYLY WITH AMELOGENESIS IMPERFECTA. Identifiers: Orphanet 2899, MedGen C1832594, MONDO:0011018, OMIM 601216. Disease mechanism: loss of function.

gnomAD v4.1: 1 of 1,612,132 alleles (0.000062%); highest among the groups gnomAD compares: Non-Finnish European, 0.000085%; no homozygotes.

Submission:

Labcorp Genetics (formerly Invitae), Labcorp
Classification: Uncertain significance for Brachyolmia-amelogenesis imperfecta syndrome. Last evaluated: 2025-03-10. Review status: criteria provided, single submitter. Criteria: Invitae Variant Classification Sherloc (09022015). Collection method: clinical testing. Allele origin: germline.
Comment: This sequence change replaces glycine, which is neutral and non-polar, with arginine, which is basic and polar, at codon 308 of the LTBP3 protein (p.Gly308Arg). This variant is not present in population databases (gnomAD no frequency). This variant has not been reported in the literature in individuals affected with LTBP3-related conditions. An algorithm developed to predict the effect of missense changes on protein structure and function (PolyPhen-2) suggests that this variant is likely to be disruptive. In summary, the available evidence is currently insufficient to determine the role of this variant in disease. Therefore, it has been classified as a Variant of Uncertain Significance.